The following is an entry in ClinVar:

ClinVar aggregate classification (germline): Uncertain significance (1 of 4 stars; one submission).

gnomAD v4.1: 7 of 1,614,134 alleles (0.00043%); highest among the groups gnomAD compares: African/African-American, 0.0053%; no homozygotes.

Submission:

Labcorp Genetics (formerly Invitae), Labcorp
Classification: Uncertain significance. Last evaluated: 2025-11-25. Review status: criteria provided, single submitter. Criteria: Invitae Variant Classification Sherloc (09022015). Collection method: clinical testing. Allele origin: germline.
Comment: This sequence change replaces threonine, which is neutral and polar, with methionine, which is neutral and non-polar, at codon 1115 of the ABCC8 protein (p.Thr1115Met). This variant is present in population databases (rs764051832, gnomAD 0.0009%). This missense change has been observed in individual(s) with clinical features of autosomal dominant ABCC8-related early onset diabetes (PMID: 32741144). This variant is also known as c.3410C>T (p.Thr1137Met). Invitae Evidence Modeling of protein sequence and biophysical properties (such as structural, functional, and spatial information, amino acid conservation, physicochemical variation, residue mobility, and thermodynamic stability) indicates that this missense variant is expected to disrupt ABCC8 protein function with a positive predictive value of 95%. In summary, the available evidence is currently insufficient to determine the role of this variant in disease. Therefore, it has been classified as a Variant of Uncertain Significance.

Literature cited by the submitters: PubMed 32741144.

NM_000352.6(ABCC8):c.3344C>T (p.Thr1115Met)

Gene: ABCC8 (ATP binding cassette subfamily C member 8; minus strand). Cytogenetic location: 11p15.1.
Variant type: single nucleotide variant.
Coding change: c.3344C>T on transcript NM_000352.6 (MANE Select); coding-DNA position 3344, C replaced by T.
Protein change: p.Thr1115Met; replaces threonine 1115 with methionine.
Molecular consequence: missense variant. On other transcripts: non-coding transcript variant (1).
Genome position (GRCh38, 1-based): chr11:17,405,549, G>A on the plus strand (C>T on the coding strand, the complement: ABCC8 is on the minus strand). VCF-style: chr11-17405549-G-A. GRCh37 (hg19) VCF-style: chr11-17427096-G-A.
Other names: c.3347C>T, p.Thr1116Met (NM_001287174.3); c.3410C>T, p.Thr1137Met (NM_001351295.2); c.3344C>T, p.Thr1115Met (NM_001351296.2); c.3341C>T, p.Thr1114Met (NM_001351297.2); short protein forms T1137M, T1115M, T1116M, T1114M.
Identifiers: ClinVar variation 4739325 (VCV004739325.1).